The following is an entry in ClinVar:

ClinVar aggregate classification (germline): Uncertain significance (1 of 4 stars; one submission).

Submission:

Labcorp Genetics (formerly Invitae), Labcorp
Classification: Uncertain significance. Last evaluated: 2025-05-13. Review status: criteria provided, single submitter. Criteria: Invitae Variant Classification Sherloc (09022015). Collection method: clinical testing. Allele origin: germline.
Comment: This sequence change replaces glutamic acid, which is acidic and polar, with lysine, which is basic and polar, at codon 243 of the FGB protein (p.Glu243Lys). This variant is not present in population databases (gnomAD no frequency). This variant has not been reported in the literature in individuals affected with FGB-related conditions. Invitae Evidence Modeling of protein sequence and biophysical properties (such as structural, functional, and spatial information, amino acid conservation, physicochemical variation, residue mobility, and thermodynamic stability) indicates that this missense variant is not expected to disrupt FGB protein function with a negative predictive value of 80%. In summary, the available evidence is currently insufficient to determine the role of this variant in disease. Therefore, it has been classified as a Variant of Uncertain Significance.

NM_005141.5(FGB):c.727G>A (p.Glu243Lys)

Gene: FGB (fibrinogen beta chain; plus strand). Cytogenetic location: 4q31.3.
Variant type: single nucleotide variant.
Coding change: c.727G>A on transcript NM_005141.5 (MANE Select); coding-DNA position 727, G replaced by A.
Protein change: p.Glu243Lys; replaces glutamic acid 243 with lysine.
Molecular consequence: missense variant.
Genome position (GRCh38, 1-based): chr4:154,568,389, G>A. VCF-style: chr4-154568389-G-A. GRCh37 (hg19) VCF-style: chr4-155489541-G-A.
Other names: c.550G>A, p.Glu184Lys (NM_001184741.1); c.595G>A, p.Glu199Lys (NM_001382759.1); c.727G>A, p.Glu243Lys (NM_001382760.1, NM_001382761.1, NM_001382762.1 and 3 more transcripts); short protein forms E184K, E243K, E199K.
Identifiers: ClinVar variation 4698815 (VCV004698815.1).